The following is an entry in ClinVar:

ClinVar aggregate classification (germline): Uncertain significance. Review status: criteria provided, multiple submitters, no conflicts (2 of 4 stars). 2 submissions from 2 submitters: Uncertain significance (2). Last evaluated 2025-10-02.

Conditions:
Spastic paraplegia. Identifiers: MedGen C0037772, HP:0001258.
Hereditary spastic paraplegia 12 (SPG12). Also called: SPASTIC PARAPLEGIA 12, AUTOSOMAL DOMINANT. Identifiers: Orphanet 100993, MedGen C1858106, MONDO:0011489, OMIM 604805.

Allele frequency attached by ClinVar (database versions not stated): gnomAD exomes below 0.00001 and 0.00001; gnomAD 0.00001; TOPMed 0.00002.

Submissions (2):

Labcorp Genetics (formerly Invitae), Labcorp
Classification: Uncertain significance for Spastic paraplegia. Last evaluated: 2025-10-02. Review status: criteria provided, single submitter. Criteria: Invitae Variant Classification Sherloc (09022015). Collection method: clinical testing. Allele origin: germline.
Comment: This sequence change replaces arginine, which is basic and polar, with glutamine, which is neutral and polar, at codon 447 of the RTN2 protein (p.Arg447Gln). The frequency data for this variant in the population databases is considered unreliable, as metrics indicate poor data quality at this position in the gnomAD database. This variant has not been reported in the literature in individuals affected with RTN2-related conditions. This missense change has been observed in at least one individual who was not affected with RTN2-related conditions (internal data). ClinVar contains an entry for this variant (Variation ID: 1445728). An algorithm developed to predict the effect of missense changes on protein structure and function (PolyPhen-2) suggests that this variant is likely to be disruptive. In summary, the available evidence is currently insufficient to determine the role of this variant in disease. Therefore, it has been classified as a Variant of Uncertain Significance.

Revvity Omics, Revvity
Classification: Uncertain significance for Hereditary spastic paraplegia 12. Last evaluated: 2023-11-19. Review status: criteria provided, single submitter. Criteria: ACMG Guidelines, 2015. Collection method: clinical testing. Allele origin: germline.

NM_005619.5(RTN2):c.1340G>A (p.Arg447Gln)

Genes: OPA3-RTN2 (OPA3-RTN2 readthrough; minus strand), RTN2 (reticulon 2; minus strand). Cytogenetic location: 19q13.32.
Variant type: single nucleotide variant.
Coding change: c.1340G>A on transcript NM_005619.5 (MANE Select); coding-DNA position 1340, G replaced by A.
Protein change: p.Arg447Gln; replaces arginine 447 with glutamine.
Molecular consequence: missense variant.
Genome position (GRCh38, 1-based): chr19:45,488,888, C>T on the plus strand (G>A on the coding strand, the complement: RTN2 is on the minus strand). VCF-style: chr19-45488888-C-T. GRCh37 (hg19) VCF-style: chr19-45992146-C-T.
Other names: c.1121G>A, p.Arg374Gln (NM_206900.3); c.320G>A, p.Arg107Gln (NM_206901.3); short protein forms R107Q, R447Q, R374Q.
Identifiers: ClinVar variation 1445728 (VCV001445728.8), dbSNP rs1262346281, ClinGen allele CA406355130.